The following is an entry in ClinVar:

ClinVar aggregate classification (germline): Likely benign. Review status: criteria provided, multiple submitters, no conflicts (2 of 4 stars). 2 submissions from 2 submitters: Likely benign (2). Last evaluated 2025-04-01.

Conditions:
Inborn genetic diseases. Identifiers: MedGen C0950123, MeSH D030342.

Allele frequency attached by ClinVar (database versions not stated): gnomAD exomes 0.00007 and 0.00010; ExAC 0.00009.
gnomAD v4.1: 124 of 1,614,200 alleles (0.0077%); highest among the groups gnomAD compares: Middle Eastern, 0.099%; no homozygotes.

Submissions (2):

CeGaT Center for Human Genetics Tuebingen
Classification: Likely benign. Last evaluated: 2025-04-01. Review status: criteria provided, single submitter. Criteria: CeGaT Center For Human Genetics Tuebingen Variant Classification Criteria Version 2. Collection method: clinical testing. Allele origin: germline. Affected: yes. Observed: 4 variant alleles.
Comment: BPTF: PP2, BS2

Ambry Genetics
Classification: Likely benign for Inborn genetic diseases. Last evaluated: 2024-07-30. Review status: criteria provided, single submitter. Criteria: Ambry Variant Classification Scheme 2023. Collection method: clinical testing. Allele origin: germline.

NM_182641.4(BPTF):c.7321C>G (p.Gln2441Glu)

Gene: BPTF (bromodomain PHD finger transcription factor; plus strand). Cytogenetic location: 17q24.2.
Variant type: single nucleotide variant.
Coding change: c.7321C>G on transcript NM_182641.4 (MANE Select); coding-DNA position 7321, C replaced by G.
Protein change: p.Gln2441Glu; replaces glutamine 2441 with glutamic acid.
Molecular consequence: missense variant. On other transcripts: intron variant (1).
Genome position (GRCh38, 1-based): chr17:67,946,029, C>G. VCF-style: chr17-67946029-C-G. GRCh37 (hg19) VCF-style: chr17-65942145-C-G.
Other names: c.7566+133C>G (NM_004459.7); c.7321C>G (NM_182641.3); short protein forms Q2441E.
Identifiers: ClinVar variation 1701328 (VCV001701328.32), dbSNP rs782167494, ClinGen allele CA8726354.